The following is an entry in ClinVar:

ClinVar aggregate classification (germline): Uncertain significance. Review status: criteria provided, multiple submitters, no conflicts (2 of 4 stars). 4 submissions from 4 submitters: Uncertain significance (4). Last evaluated 2026-04-28.

Conditions:
Pheochromocytoma/paraganglioma syndrome 5. Also called: Paragangliomas 5; SDHA-Related Hereditary Paraganglioma-Pheochromocytoma Syndrome. Identifiers: Orphanet 29072, MedGen C3279992, MONDO:0013602, OMIM 614165.
Mitochondrial complex II deficiency, nuclear type 1. Also called: SUCCINATE CoQ REDUCTASE DEFICIENCY. Identifiers: Orphanet 3208, MedGen C5700310, MONDO:0100294, OMIM 252011.
Hereditary cancer-predisposing syndrome. Also called: Neoplastic Syndromes, Hereditary; Hereditary Cancer Syndrome; Tumor predisposition; Hereditary neoplastic syndrome. Identifiers: Orphanet 140162, MedGen C0027672, MeSH D009386, MONDO:0015356.

Submissions (4):

Ambry Genetics
Classification: Uncertain significance for Hereditary cancer-predisposing syndrome. Last evaluated: 2026-04-28. Review status: criteria provided, single submitter. Criteria: Ambry Variant Classification Scheme 2023. Collection method: clinical testing. Allele origin: germline.
Comment: The p.D341A variant (also known as c.1022A>C), located in coding exon 8 of the SDHA gene, results from an A to C substitution at nucleotide position 1022. The aspartic acid at codon 341 is replaced by alanine, an amino acid with dissimilar properties. This amino acid position is conserved. In addition, this alteration is predicted to be deleterious by in silico analysis. Based on the available evidence, the clinical significance of this variant remains unclear.

Quest Diagnostics Nichols Institute San Juan Capistrano
Classification: Uncertain significance. Last evaluated: 2024-09-04. Review status: criteria provided, single submitter. Criteria: Quest Diagnostics criteria. Collection method: clinical testing. Allele origin: unknown.

Labcorp Genetics (formerly Invitae), Labcorp
Classification: Uncertain significance for Pheochromocytoma/paraganglioma syndrome 5; Mitochondrial complex II deficiency, nuclear type 1. Last evaluated: 2023-10-19. Review status: criteria provided, single submitter. Criteria: Invitae Variant Classification Sherloc (09022015). Collection method: clinical testing. Allele origin: germline.
Comment: This sequence change replaces aspartic acid, which is acidic and polar, with alanine, which is neutral and non-polar, at codon 341 of the SDHA protein (p.Asp341Ala). This variant is not present in population databases (gnomAD no frequency). This variant has not been reported in the literature in individuals affected with SDHA-related conditions. ClinVar contains an entry for this variant (Variation ID: 655570). Advanced modeling of protein sequence and biophysical properties (such as structural, functional, and spatial information, amino acid conservation, physicochemical variation, residue mobility, and thermodynamic stability) has been performed at Invitae for this missense variant, however the output from this modeling did not meet the statistical confidence thresholds required to predict the impact of this variant on SDHA protein function. In summary, the available evidence is currently insufficient to determine the role of this variant in disease. Therefore, it has been classified as a Variant of Uncertain Significance.

Blueprint Genetics
Classification: Uncertain significance. Last evaluated: 2023-04-05. Review status: criteria provided, single submitter. Criteria: ACMG Guidelines, 2015. Collection method: clinical testing. Allele origin: germline.

NM_004168.4(SDHA):c.1022A>C (p.Asp341Ala)

Gene: SDHA (succinate dehydrogenase complex flavoprotein subunit A; plus strand). Cytogenetic location: 5p15.33.
Variant type: single nucleotide variant.
Coding change: c.1022A>C on transcript NM_004168.4 (MANE Select); coding-DNA position 1022, A replaced by C.
Protein change: p.Asp341Ala; replaces aspartic acid 341 with alanine.
Molecular consequence: missense variant.
Genome position (GRCh38, 1-based): chr5:233,603, A>C. VCF-style: chr5-233603-A-C. GRCh37 (hg19) VCF-style: chr5-233718-A-C.
Other names: c.878A>C, p.Asp293Ala (NM_001294332.2); c.1022A>C, p.Asp341Ala (NM_001330758.2); c.1022A>C (NM_004168.2); short protein forms D293A, D341A.
Identifiers: ClinVar variation 655570 (VCV000655570.14), dbSNP rs1579402616, ClinGen allele CA359012895.
Genomic context (GRCh38, chr5:233,603, plus strand): 5'-GTCAAGGCGAAAGGTTTATGGAGCGATACGCCCCTGTCGCGAAGGACCTGGCGTCTAGAG[A>C]TGTGGTGTCTCGGTCCATGACTCTGGAGATCCGAGAAGGAAGGTGCGTGTGATTTACCAC-3'
Protein context (NP_004159.2, residues 331-351): APVAKDLASR[Asp341Ala]VVSRSMTLEI